The following is an entry in ClinVar:

ClinVar aggregate classification (germline): Likely pathogenic (1 of 4 stars; one submission).

Conditions:
Hereditary spherocytosis type 2. Also called: SPHEROCYTOSIS, TYPE 2, AUTOSOMAL DOMINANT. Identifiers: Orphanet 822, MedGen C2674219, MONDO:0000913, OMIM 616649.

Submission:

3billion
Classification: Likely pathogenic for Hereditary spherocytosis type 2. Last evaluated: 2025-05-27. Review status: criteria provided, single submitter. Criteria: ACMG Guidelines, 2015. Collection method: clinical testing. Allele origin: germline. Affected: yes.
Comment: The variant is not observed in the gnomAD v4.1.0 dataset. Predicted Consequence/Location: Canonical splice site: predicted to alter splicing and result in a loss or disruption of normal protein function. Multiple pathogenic loss-of-function variants are reported downstream of the variant. In silico tools predict the variant to alter splicing and produce an abnormal transcript [SpliceAI: 1.00 (spliceogenicity >=0.2, non-spliceogenicity <0.1)]. Therefore, this variant is classified as Likely pathogenic according to the recommendation of ACMG/AMP guideline.

NM_001355436.2(SPTB):c.4973+1G>T

Gene: SPTB (spectrin beta, erythrocytic; minus strand). Cytogenetic location: 14q23.3.
Variant type: single nucleotide variant.
Coding change: c.4973+1G>T on transcript NM_001355436.2 (MANE Select); the canonical splice donor site of the intron after coding-DNA position 4973, G replaced by T.
Molecular consequence: splice donor variant.
Genome position (GRCh38, 1-based): chr14:64,774,396, C>A on the plus strand (G>T on the coding strand, the complement: SPTB is on the minus strand). VCF-style: chr14-64774396-C-A. GRCh37 (hg19) VCF-style: chr14-65241114-C-A.
Other names: c.4973+1G>T (NM_001024858.4, NM_001355437.2).
Identifiers: ClinVar variation 4854805 (VCV004854805.1).
Genomic context (GRCh38, chr14:64,774,396, plus strand): 5'-CTGGTGGGCCCCTGGCTCAATCCCCATCTCCTGACCGAGTCACCACAGGGGGCGCACGCA[C>A]CCCTCAGGGTGGCCTGCAGACAGCAGGCCCTGGGCCCGGCTGGCCAGCTGCTTGATGTTC-3'